The following is an entry in ClinVar:

NM_000128.4(F11):c.1351C>T (p.Gln451Ter)

Gene: F11 (coagulation factor XI; plus strand). Cytogenetic location: 4q35.2.
Variant type: single nucleotide variant.
Coding change: c.1351C>T on transcript NM_000128.4 (MANE Select); coding-DNA position 1351, C replaced by T.
Protein change: p.Gln451Ter; replaces glutamine 451 with a stop codon.
Molecular consequence: nonsense.
Genome position (GRCh38, 1-based): chr4:186,285,684, C>T. VCF-style: chr4-186285684-C-T. GRCh37 (hg19) VCF-style: chr4-187206838-C-T.
Other names: short protein forms Q451*.
Identifiers: ClinVar variation 1724482 (VCV001724482.2), dbSNP rs1280101266, ClinGen allele CA358943124.

ClinVar aggregate classification (germline): Likely pathogenic (1 of 4 stars; one submission).

Conditions:
Hereditary factor XI deficiency disease. Also called: Congenital factor XI deficiency; PLASMA THROMBOPLASTIN ANTECEDENT DEFICIENCY; PTA DEFICIENCY; ROSENTHAL SYNDROME. Identifiers: Orphanet 329, MedGen C0015523, MeSH D005173, MONDO:0012897, OMIM 612416.

Submission:

Myriad Genetics, Inc.
Classification: Likely pathogenic for Hereditary factor XI deficiency disease. Last evaluated: 2022-02-17. Review status: criteria provided, single submitter. Criteria: Myriad Women's Health Autosomal Recessive and X-Linked Classification Criteria (2021). Collection method: clinical testing. Allele origin: unknown.
Comment: NM_000128.3(F11):c.1351C>T(Q451*) is expected to be pathogenic in the context of factor XI deficiency. This variant is predicted to lead to an abnormal or absent protein product due to the creation of a premature termination codon in F11, a gene where loss-of-function variants are known to be pathogenic. Please note: this variant was assessed in the context of healthy population screening.